The following is an entry in ClinVar:

NM_002098.6(GUCA1B):c.*429G>A

Gene: GUCA1B (guanylate cyclase activator 1B; minus strand). Cytogenetic location: 6p21.1.
Variant type: single nucleotide variant.
Coding change: c.*429G>A on transcript NM_002098.6 (MANE Select); 429 bases downstream of the stop codon, G replaced by A.
Molecular consequence: 3 prime UTR variant.
Genome position (GRCh38, 1-based): chr6:42,184,386, C>T on the plus strand (G>A on the coding strand, the complement: GUCA1B is on the minus strand). VCF-style: chr6-42184386-C-T. GRCh37 (hg19) VCF-style: chr6-42152124-C-T.
Identifiers: ClinVar variation 356726 (VCV000356726.6), dbSNP rs114573886, ClinGen allele CA10622088.

ClinVar aggregate classification (germline): Benign (1 of 4 stars; one submission).

Conditions:
Retinitis pigmentosa (RP). Identifiers: Orphanet 791, MedGen C0035334, MeSH D012174, MONDO:0019200, OMIM 268000. Inheritance: Autosomal dominant, autosomal recessive and X linked inheritance.

Allele frequency attached by ClinVar (database versions not stated): gnomAD exomes 0.00796; 1000 Genomes Project 0.01897; TOPMed 0.02115; gnomAD 0.02128 and 0.02273; 1000 Genomes Project 30x 0.02139.
gnomAD v4.1: 4,269 of 285,212 alleles (1.5%); highest among the groups gnomAD compares: African/African-American, 5.1%; 68 homozygotes.

Submission:

Illumina Laboratory Services, Illumina
Classification: Benign for Retinitis pigmentosa. Last evaluated: 2018-01-13. Review status: criteria provided, single submitter. Criteria: ICSL Variant Classification Criteria 13 December 2019. Collection method: clinical testing. Allele origin: germline.
Comment: This variant was observed in the ICSL laboratory as part of a predisposition screen in an ostensibly healthy population. It had not been previously curated by ICSL or reported in the Human Gene Mutation Database (HGMD: prior to June 1st, 2018), and was therefore a candidate for classification through an automated scoring system. Utilizing variant allele frequency, disease prevalence and penetrance estimates, and inheritance mode, an automated score was calculated to assess if this variant is too frequent to cause the disease. Based on the score and internal cut-off values, a variant classified as benign is not then subjected to further curation. The score for this variant resulted in a classification of benign for this disease.